The following is an entry in ClinVar:

ClinVar aggregate classification (germline): Uncertain significance (1 of 4 stars; one submission).

Conditions:
Renal cell carcinoma. Identifiers: Orphanet 217071, MedGen C0007134, MeSH D002292, MONDO:0005086, HP:0005584.

Submission:

Labcorp Genetics (formerly Invitae), Labcorp
Classification: Uncertain significance for Renal cell carcinoma. Last evaluated: 2022-03-16. Review status: criteria provided, single submitter. Criteria: Invitae Variant Classification Sherloc (09022015). Collection method: clinical testing. Allele origin: germline.
Comment: This sequence change replaces threonine, which is neutral and polar, with proline, which is neutral and non-polar, at codon 750 of the MET protein (p.Thr750Pro). This variant is not present in population databases (gnomAD no frequency). This variant has not been reported in the literature in individuals affected with MET-related conditions. Algorithms developed to predict the effect of missense changes on protein structure and function are either unavailable or do not agree on the potential impact of this missense change (SIFT: "Tolerated"; PolyPhen-2: "Possibly Damaging"; Align-GVGD: "Class C0"). In summary, the available evidence is currently insufficient to determine the role of this variant in disease. Therefore, it has been classified as a Variant of Uncertain Significance.

NM_000245.4(MET):c.2248A>C (p.Thr750Pro)

Gene: MET (MET proto-oncogene, receptor tyrosine kinase; plus strand). Cytogenetic location: 7q31.2.
Variant type: single nucleotide variant.
Coding change: c.2248A>C on transcript NM_000245.4 (MANE Select); coding-DNA position 2248, A replaced by C.
Protein change: p.Thr750Pro; replaces threonine 750 with proline.
Molecular consequence: missense variant.
Genome position (GRCh38, 1-based): chr7:116,758,604, A>C. VCF-style: chr7-116758604-A-C. GRCh37 (hg19) VCF-style: chr7-116398658-A-C.
Other names: c.2248A>C, p.Thr750Pro (NM_001127500.3, NM_001324401.3); c.958A>C, p.Thr320Pro (NM_001324402.2); short protein forms T320P, T750P.
Identifiers: ClinVar variation 2098449 (VCV002098449.4), dbSNP rs1060503531, ClinGen allele CA368980864.